The following is an entry in ClinVar:

ClinVar aggregate classification (germline): Conflicting classifications of pathogenicity. Review status: criteria provided, conflicting classifications (1 of 4 stars). 5 submissions from 5 submitters: Uncertain significance (2); Likely benign (3). Last evaluated 2026-05-18.

Conditions:
VCL-related disorder. Also called: VCL-related condition.
Cardiomyopathy (CMYO). Also called: Cardiomyopathies. Identifiers: Orphanet 167848, MedGen C0878544, MONDO:0004994, HP:0001638. Inheritance: Various modes of inheritance.
Dilated cardiomyopathy 1W (CMD1W). Identifiers: Orphanet 154, MedGen C1969639, MONDO:0012667, OMIM 611407.

Allele frequency attached by ClinVar (database versions not stated): TOPMed 0.00004; gnomAD 0.00006; ESP Exome Variant Server 0.00015.
gnomAD v4.1: 107 of 1,612,842 alleles (0.0066%); highest among the groups gnomAD compares: Middle Eastern, 0.25%; no homozygotes.

Submissions (5):

PreventionGenetics, part of Exact Sciences
Classification: Likely benign for VCL-related condition. Last evaluated: 2026-05-18. Review status: criteria provided, single submitter. Criteria: ACMG Guidelines, 2015. Collection method: clinical testing. Allele origin: germline.
Comment: This variant is classified as likely benign based on ACMG/AMP sequence variant interpretation guidelines (Richards et al. 2015 PMID: 25741868, with internal and published modifications).

Labcorp Genetics (formerly Invitae), Labcorp
Classification: Uncertain significance for Dilated cardiomyopathy 1W. Last evaluated: 2026-01-19. Review status: criteria provided, single submitter. Criteria: Invitae Variant Classification Sherloc (09022015). Collection method: clinical testing. Allele origin: germline.
Comment: This sequence change falls in intron 12 of the VCL gene. It does not directly change the encoded amino acid sequence of the VCL protein. It affects a nucleotide within the consensus splice site. This variant is present in population databases (rs370709860, gnomAD 0.02%). This variant has not been reported in the literature in individuals affected with VCL-related conditions. ClinVar contains an entry for this variant (Variation ID: 508988). Variants that disrupt the consensus splice site are a relatively common cause of aberrant splicing (PMID: 17576681, 9536098). Algorithms developed to predict the effect of sequence changes on RNA splicing suggest that this variant is not likely to affect RNA splicing. In summary, the available evidence is currently insufficient to determine the role of this variant in disease. Therefore, it has been classified as a Variant of Uncertain Significance.

Blueprint Genetics
Classification: Likely benign. Last evaluated: 2024-11-12. Review status: criteria provided, single submitter. Criteria: ACMG Guidelines, 2015. Collection method: clinical testing. Allele origin: germline.

CHEO Genetics Diagnostic Laboratory, Children's Hospital of Eastern Ontario
Classification: Uncertain significance for Cardiomyopathy. Last evaluated: 2023-05-16. Review status: criteria provided, single submitter. Criteria: ACMG Guidelines, 2015. Collection method: clinical testing. Allele origin: germline.

GeneDx
Classification: Likely benign. Last evaluated: 2020-01-21. Review status: criteria provided, single submitter. Criteria: GeneDx Variant Classification Process June 2021. Collection method: clinical testing. Allele origin: germline. Affected: yes.

Literature cited by the submitters: PubMed 17576681 (cited by Labcorp Genetics (formerly Invitae), Labcorp); PubMed 9536098 (cited by Labcorp Genetics (formerly Invitae), Labcorp).

NM_014000.3(VCL):c.1743+6A>T

Gene: VCL (vinculin; plus strand). Cytogenetic location: 10q22.2.
Variant type: single nucleotide variant.
Coding change: c.1743+6A>T on transcript NM_014000.3 (MANE Select); 6 bases into the intron after coding-DNA position 1743, A replaced by T.
Molecular consequence: intron variant.
Genome position (GRCh38, 1-based): chr10:74,095,861, A>T. VCF-style: chr10-74095861-A-T. GRCh37 (hg19) VCF-style: chr10-75855619-A-T.
Other names: c.1743+6A>T (NM_003373.4).
Identifiers: ClinVar variation 508988 (VCV000508988.11), dbSNP rs370709860, ClinGen allele CA5563061.